The following is an entry in ClinVar:

NM_022143.5(LRRC4):c.426_438delinsTGACAGTCA (p.Phe143fs)

Genes: LRRC4 (leucine rich repeat containing 4; minus strand), SND1 (staphylococcal nuclease and tudor domain containing 1; plus strand). Cytogenetic location: 7q32.1.
Variant type: Indel.
Coding change: c.426_438delinsTGACAGTCA on transcript NM_022143.5 (MANE Select); coding-DNA positions 426 to 438, CTTTGAATACCTG replaced by TGACAGTCA.
Protein change: p.Phe143fs; shifts the reading frame from phenylalanine 143.
Molecular consequence: frameshift variant. On other transcripts: intron variant (1).
Genome position (GRCh38, 1-based): chr7:128,030,203-128,030,215, CAGGTATTCAAAG replaced by TGACTGTCA on the plus strand (CTTTGAATACCTG replaced by TGACAGTCA on the coding strand, the reverse complement: LRRC4 is on the minus strand). VCF-style: chr7-128030203-CAGGTATTCAAAG-TGACTGTCA. GRCh37 (hg19) VCF-style: chr7-127670256-CAGGTATTCAAAG-TGACTGTCA.
Other names: c.1779+39147_1779+39159delinsTGACTGTCA (NM_014390.4); short protein forms F143fs.
Identifiers: ClinVar variation 2429021 (VCV002429021.4), dbSNP rs2535822664, ClinGen allele CA2580076454.
Genomic context (GRCh38, chr7:128,030,203, plus strand): 5'-GGCGTAAGAGGGGATGCTTTCGATGGGGTTGTTGCGAAGCCAGAGCTCCCGCAGCTTGGA[CAGGTATTCAAAG>TGACTGTCA]GCCCCGCTAGGGATGACTGTCAGCCAGTTGTCGAACAGCTCCAGGGTGTTGAGGCTGGCC-3'

ClinVar aggregate classification (germline): Uncertain significance (1 of 4 stars; one submission).

Submission:

Greenwood Genetic Center Diagnostic Laboratories, Greenwood Genetic Center
Classification: Uncertain significance. Last evaluated: 2022-12-09. Review status: criteria provided, single submitter. Criteria: ACMG Guidelines, 2015. Collection method: clinical testing. Allele origin: germline. Affected: yes.
Comment: PS2